The following is an entry in ClinVar:

ClinVar aggregate classification (germline): Uncertain significance (1 of 4 stars; one submission).

Submission:

Labcorp Genetics (formerly Invitae), Labcorp
Classification: Uncertain significance. Last evaluated: 2022-02-06. Review status: criteria provided, single submitter. Criteria: Invitae Variant Classification Sherloc (09022015). Collection method: clinical testing. Allele origin: germline.
Comment: In summary, the available evidence is currently insufficient to determine the role of this variant in disease. Therefore, it has been classified as a Variant of Uncertain Significance. Experimental studies and prediction algorithms are not available or were not evaluated, and the functional significance of this variant is currently unknown. This variant has not been reported in the literature in individuals affected with MAPKAPK3-related conditions. This variant is not present in population databases (gnomAD no frequency). This variant, c.343_345del, results in the deletion of 1 amino acid(s) of the MAPKAPK3 protein (p.Leu115del), but otherwise preserves the integrity of the reading frame.

NM_001243925.2(MAPKAPK3):c.340CTC[1] (p.Leu115del)

Gene: MAPKAPK3 (MAPK activated protein kinase 3; plus strand). Cytogenetic location: 3p21.2.
Variant type: Microsatellite.
Coding change: c.340CTC[1] on transcript NM_001243925.2 (MANE Select); one copy of the 3-base unit CTC starting at c.340; the reference has two copies in a row; one copy, 3 bases deleted.
Protein change: p.Leu115del; deletes leucine 115.
Molecular consequence: inframe deletion.
Genome position (GRCh38, 1-based): chr3:50,640,489-50,640,491, CTC deleted; deleting any 3 consecutive bases within chr3:50,640,486-50,640,491 gives the same sequence; the position shown is the placement nearest the transcript's 3' end. VCF-style (leftmost placement, unchanged base first): chr3-50640485-TCTC-T. GRCh37 (hg19) VCF-style: chr3-50677916-TCTC-T.
Other names: c.340CTC[1], p.Leu115del (NM_001243926.2, NM_004635.5); short protein forms L115del.
Identifiers: ClinVar variation 2094127 (VCV002094127.4), dbSNP rs2033153674, ClinGen allele CA1364047587.